The following is an entry in ClinVar:

NM_018972.4(GDAP1):c.751C>G (p.Leu251Val)

Gene: GDAP1 (ganglioside induced differentiation associated protein 1; plus strand). Cytogenetic location: 8q21.11.
Variant type: single nucleotide variant.
Coding change: c.751C>G on transcript NM_018972.4 (MANE Select); coding-DNA position 751, C replaced by G.
Protein change: p.Leu251Val; replaces leucine 251 with valine.
Molecular consequence: missense variant. On other transcripts: intron variant (1).
Genome position (GRCh38, 1-based): chr8:74,364,041, C>G. VCF-style: chr8-74364041-C-G. GRCh37 (hg19) VCF-style: chr8-75276276-C-G.
Other names: c.547C>G, p.Leu183Val (NM_001040875.4); c.424C>G, p.Leu142Val (NM_001362929.2, NM_001362932.2); c.577C>G, p.Leu193Val (NM_001362930.2); c.694+988C>G (NM_001362931.2); short protein forms L142V, L193V, L251V, L183V.
Identifiers: ClinVar variation 4698224 (VCV004698224.1).

ClinVar aggregate classification (germline): Uncertain significance (1 of 4 stars; one submission).

Conditions:
Charcot-Marie-Tooth disease type 4A. Also called: Charcot-Marie-Tooth disease, demyelinating, autosomal recessive, type 4a. Identifiers: Orphanet 99948, MedGen C1859198, MONDO:0008961, OMIM 214400.

gnomAD v4.1: 2 of 1,613,674 alleles (0.00012%); highest among the groups gnomAD compares: Non-Finnish European, 0.00017%; no homozygotes.

Submission:

Labcorp Genetics (formerly Invitae), Labcorp
Classification: Uncertain significance for Charcot-Marie-Tooth disease type 4A. Last evaluated: 2025-10-15. Review status: criteria provided, single submitter. Criteria: Invitae Variant Classification Sherloc (09022015). Collection method: clinical testing. Allele origin: germline.
Comment: This sequence change replaces leucine, which is neutral and non-polar, with valine, which is neutral and non-polar, at codon 251 of the GDAP1 protein (p.Leu251Val). This variant is not present in population databases (gnomAD no frequency). This variant has not been reported in the literature in individuals affected with GDAP1-related conditions. Invitae Evidence Modeling of protein sequence and biophysical properties (such as structural, functional, and spatial information, amino acid conservation, physicochemical variation, residue mobility, and thermodynamic stability) indicates that this missense variant is not expected to disrupt GDAP1 protein function with a negative predictive value of 80%. In summary, the available evidence is currently insufficient to determine the role of this variant in disease. Therefore, it has been classified as a Variant of Uncertain Significance.